The following is an entry in ClinVar:

ClinVar aggregate classification (germline): Pathogenic (1 of 4 stars; one submission).

Conditions:
Niemann-Pick disease, type A. Also called: Infantile Neurovisceral ASMD (Niemann-Pick Disease Type A; NPD-A); SPHINGOMYELIN LIPIDOSIS; SPHINGOMYELINASE DEFICIENCY. Identifiers: Orphanet 77292, MedGen C0268242, MONDO:0009756, OMIM 257200. Disease mechanism: loss of function.

Submission:

Foundation for Research in Genetics and Endocrinology, FRIGE's Institute of Human Genetics
Classification: Pathogenic for Niemann-Pick disease, type A. Last evaluated: 2023-04-13. Review status: criteria provided, single submitter. Criteria: ACMG Guidelines, 2015. Collection method: clinical testing. Allele origin: germline. Inheritance: Autosomal recessive inheritance. Affected: yes. Observed: 1 homozygote.
Comment: A homozygous variation in exon 2 of the SMPD1 gene. The observed variant c.755T>A has not been reported in the 1000 genomes databases and has a MAF of 0.0004% in gnomAD databases. In silico prediction of the variant is damaging by MutationTaster2. The reference codon is conserved across species. In summary, the variant meets our criteria to be classified as pathogenic.

NM_000543.5(SMPD1):c.1676T>A (p.Val559Glu)

Gene: SMPD1 (sphingomyelin phosphodiesterase 1; plus strand). Cytogenetic location: 11p15.4.
Variant type: single nucleotide variant.
Coding change: c.1676T>A on transcript NM_000543.5 (MANE Select); coding-DNA position 1676, T replaced by A.
Protein change: p.Val559Glu; replaces valine 559 with glutamic acid.
Molecular consequence: missense variant. On other transcripts: 3 prime UTR variant (1), non-coding transcript variant (2).
Genome position (GRCh38, 1-based): chr11:6,394,387, T>A. VCF-style: chr11-6394387-T-A. GRCh37 (hg19) VCF-style: chr11-6415617-T-A.
Other names: p.Leu263Ter; c.1673T>A, p.Val558Glu (NM_001007593.3); c.*169T>A (NM_001318087.2); c.755T>A, p.Val252Glu (NM_001318088.2); c.1544T>A, p.Val515Glu (NM_001365135.2); short protein forms V252E, V515E, V558E, V559E.
Identifiers: ClinVar variation 2498326 (VCV002498326.2), dbSNP rs770561559, ClinGen allele CA379376713.